The following is an entry in ClinVar:

NM_199242.3(UNC13D):c.443G>C (p.Gly148Ala)

Gene: UNC13D (unc-13 homolog D; minus strand). Cytogenetic location: 17q25.1.
Variant type: single nucleotide variant.
Coding change: c.443G>C on transcript NM_199242.3 (MANE Select); coding-DNA position 443, G replaced by C.
Protein change: p.Gly148Ala; replaces glycine 148 with alanine.
Molecular consequence: missense variant.
Genome position (GRCh38, 1-based): chr17:75,842,559, C>G on the plus strand (G>C on the coding strand, the complement: UNC13D is on the minus strand). VCF-style: chr17-75842559-C-G. GRCh37 (hg19) VCF-style: chr17-73838640-C-G.
Other names: c.443G>C (NM_199242.2); short protein forms G148A.
Identifiers: ClinVar variation 1438894 (VCV001438894.9), dbSNP rs551855408, ClinGen allele CA8773483.

ClinVar aggregate classification (germline): Uncertain significance. Review status: criteria provided, multiple submitters, no conflicts (2 of 4 stars). 2 submissions from 2 submitters: Uncertain significance (2). Last evaluated 2022-12-06.

Conditions:
Inborn genetic diseases. Identifiers: MedGen C0950123, MeSH D030342.
Familial hemophagocytic lymphohistiocytosis 3 (FHL3). Also called: UNC13D-Related Familial Hemophagocytic Lymphohistiocytosis (UNC13D-fHLH). Identifiers: Orphanet 540, MedGen C1837174, MONDO:0012146, OMIM 608898.

Allele frequency attached by ClinVar (database versions not stated): gnomAD exomes below 0.00001; TOPMed below 0.00001; ExAC 0.00001; gnomAD 0.00001; 1000 Genomes Project 30x 0.00031; 1000 Genomes Project 0.00040.

Submissions (2):

Labcorp Genetics (formerly Invitae), Labcorp
Classification: Uncertain significance for Familial hemophagocytic lymphohistiocytosis 3. Last evaluated: 2022-12-06. Review status: criteria provided, single submitter. Criteria: Invitae Variant Classification Sherloc (09022015). Collection method: clinical testing. Allele origin: germline.
Comment: This sequence change replaces glycine, which is neutral and non-polar, with alanine, which is neutral and non-polar, at codon 148 of the UNC13D protein (p.Gly148Ala). This variant is present in population databases (rs551855408, gnomAD 0.007%). In summary, the available evidence is currently insufficient to determine the role of this variant in disease. Therefore, it has been classified as a Variant of Uncertain Significance. Algorithms developed to predict the effect of missense changes on protein structure and function are either unavailable or do not agree on the potential impact of this missense change (SIFT: "Not Available"; PolyPhen-2: "Benign"; Align-GVGD: "Not Available"). ClinVar contains an entry for this variant (Variation ID: 1438894). This variant has not been reported in the literature in individuals affected with UNC13D-related conditions.

Ambry Genetics
Classification: Uncertain significance for Inborn genetic diseases. Last evaluated: 2022-09-14. Review status: criteria provided, single submitter. Criteria: Ambry Variant Classification Scheme 2023. Collection method: clinical testing. Allele origin: germline.